The following is an entry in ClinVar:

NM_018341.3(ERMARD):c.1481G>A (p.Arg494His)

Gene: ERMARD (ER membrane associated RNA degradation; plus strand). Cytogenetic location: 6q27.
Variant type: single nucleotide variant.
Coding change: c.1481G>A on transcript NM_018341.3 (MANE Select); coding-DNA position 1481, G replaced by A.
Protein change: p.Arg494His; replaces arginine 494 with histidine.
Molecular consequence: missense variant.
Genome position (GRCh38, 1-based): chr6:169,776,026, G>A. VCF-style: chr6-169776026-G-A. GRCh37 (hg19) VCF-style: chr6-170176122-G-A.
Other names: c.1481G>A, p.Arg494His (NM_001278531.2, NM_001278533.2); c.1103G>A, p.Arg368His (NM_001278532.2); short protein forms R368H, R494H.
Identifiers: ClinVar variation 1372679 (VCV001372679.8), dbSNP rs202050991, ClinGen allele CA4106286.
Genomic context (GRCh38, chr6:169,776,026, plus strand): 5'-CCTGCCACTCTTTGATTACAAAAATGACGGATGAGCTGTATCACCATATGCCTGAGAATC[G>A]TTGTGTGTTAAAGGACTTGGATCGTCTTCCTACTGAGACGTAAGTTCCAGGACATCCTGA-3'
Protein context (NP_060811.1, residues 484-504): DELYHHMPEN[Arg494His]CVLKDLDRLP

ClinVar aggregate classification (germline): Uncertain significance (1 of 4 stars; one submission).

Allele frequency attached by ClinVar (database versions not stated): ESP Exome Variant Server 0.00008; 1000 Genomes Project 30x 0.00016; 1000 Genomes Project 0.00020.
gnomAD v4.1: 35 of 1,614,162 alleles (0.0022%); highest among the groups gnomAD compares: African/African-American, 0.021%; no homozygotes.

Submission:

Labcorp Genetics (formerly Invitae), Labcorp
Classification: Uncertain significance. Last evaluated: 2021-08-17. Review status: criteria provided, single submitter. Criteria: Invitae Variant Classification Sherloc (09022015). Collection method: clinical testing. Allele origin: germline.
Comment: This variant is present in population databases (rs202050991, ExAC 0.01%). This sequence change replaces arginine with histidine at codon 494 of the ERMARD protein (p.Arg494His). The arginine residue is weakly conserved and there is a small physicochemical difference between arginine and histidine. This variant has not been reported in the literature in individuals affected with ERMARD-related conditions. Algorithms developed to predict the effect of missense changes on protein structure and function output the following: SIFT: "Tolerated"; PolyPhen-2: "Benign"; Align-GVGD: "Class C0". The histidine amino acid residue is found in multiple mammalian species, which suggests that this missense change does not adversely affect protein function. In summary, the available evidence is currently insufficient to determine the role of this variant in disease. Therefore, it has been classified as a Variant of Uncertain Significance.